The following is an entry in ClinVar:

ClinVar aggregate classification (germline): Likely pathogenic (1 of 4 stars; one submission).

Conditions:
Cardiovascular phenotype. Identifiers: MedGen CN230736.

Submission:

Ambry Genetics
Classification: Likely pathogenic for Cardiovascular phenotype. Last evaluated: 2026-06-29. Review status: criteria provided, single submitter. Criteria: Ambry Variant Classification Scheme 2023. Collection method: clinical testing. Allele origin: germline.
Comment: The c.22931dupA variant, located in coding exon 93 of the TTN gene, results from a duplication of A at nucleotide position 22931, causing a translational frameshift with a predicted alternate stop codon (p.C7645Vfs*8). This exon is located in the A-band region of the N2-B isoform of the titin protein and is constitutively expressed in TTN transcripts (percent spliced in or PSI 100%). This variant was reported in individual(s) with features consistent with dilated cardiomyopathy (Ambry internal data). This variant is considered to be rare based on population cohorts in the Genome Aggregation Database (gnomAD). This variant is expected to result in loss of function by premature protein truncation or nonsense-mediated mRNA decay. While truncating variants in TTN are present in 1-3% of the general population, truncating variants in the A-band are the most common cause of dilated cardiomyopathy (Herman DS et al. N. Engl. J. Med., 2012 Feb;366:619-28; Roberts AM et al. Sci Transl Med, 2015 Jan;7:270ra6). TTN truncating variants encoded in constitutive exons (PSI >90%) have been found to be significantly associated with DCM regardless of their position in titin (Schafer S et al. Nat. Genet., 2017 01;49:46-53; Akhtar MM et al. Circ Heart Fail, 2020 Oct;13:e006832; Massier M et al. Clin Genet, 2025 Jan). Based on the majority of available evidence to date, this variant is likely to be pathogenic.

NM_001267550.2(TTN):c.50126dup (p.Cys16710fs)

Genes: TTN (titin; minus strand), TTN-AS1 (TTN antisense RNA 1; plus strand). Cytogenetic location: 2q31.2.
Variant type: Duplication.
Coding change: c.50126dup on transcript NM_001267550.2 (MANE Select); coding-DNA position 50126, one base duplicated (A; older notation c.50126dupA).
Protein change: p.Cys16710fs; shifts the reading frame from cysteine 16710.
Molecular consequence: frameshift variant.
Genome position (GRCh38, 1-based): chr2:178,612,399, T duplicated on the plus strand (A on the coding strand, the reverse complement: TTN is on the minus strand); the first of 2 consecutive T bases (chr2:178,612,399-178,612,400); duplicating either gives the same sequence. VCF-style (leftmost placement, unchanged base first): chr2-178612398-C-CT. GRCh37 (hg19) VCF-style: chr2-179477125-C-CT.
Other names: c.23306dup, p.Cys7770fs (NM_133432.3); c.23507dup, p.Cys7837fs (NM_133437.4); c.22931dup, p.Cys7645fs (NM_003319.4); c.42422dup, p.Cys14142fs (NM_133378.4); c.45203dup, p.Cys15069fs (NM_001256850.1); c.22931dupA (NM_003319.4); short protein forms C15069fs, C7645fs, C14142fs, C7837fs, C16710fs, C7770fs.
Identifiers: ClinVar variation 5031448 (VCV005031448.1).